The following is an entry in ClinVar:

NM_001330078.2(NRXN1):c.2888A>G (p.His963Arg)

Gene: NRXN1 (neurexin 1; minus strand). Cytogenetic location: 2p16.3.
Variant type: single nucleotide variant.
Coding change: c.2888A>G on transcript NM_001330078.2 (MANE Select); coding-DNA position 2888, A replaced by G.
Protein change: p.His963Arg; replaces histidine 963 with arginine.
Molecular consequence: missense variant.
Genome position (GRCh38, 1-based): chr2:50,496,087, T>C on the plus strand (A>G on the coding strand, the complement: NRXN1 is on the minus strand). VCF-style: chr2-50496087-T-C. GRCh37 (hg19) VCF-style: chr2-50723225-T-C.
Other names: c.3008A>G, p.His1003Arg (NM_001135659.3); c.2864A>G, p.His955Arg (NM_001330077.2, NM_001330082.2); c.2822A>G, p.His941Arg (NM_001330083.2, NM_001330084.2); c.2861A>G, p.His954Arg (NM_001330085.2); c.2888A>G, p.His963Arg (NM_001330086.2, NM_004801.6); c.2777A>G, p.His926Arg (NM_001330087.2, NM_001330096.2); c.2807A>G, p.His936Arg (NM_001330088.2); c.2885A>G, p.His962Arg (NM_001330093.2); and 2 more; short protein forms H1003R, H941R, H959R, H955R, H926R, H936R, H946R, H962R.
Identifiers: ClinVar variation 590059 (VCV000590059.51), dbSNP rs1558830787, ClinGen allele CA346776640.

ClinVar aggregate classification (germline): Uncertain significance. Review status: criteria provided, multiple submitters, no conflicts (2 of 4 stars). 2 submissions from 2 submitters: Uncertain significance (2). Last evaluated 2021-05-18.

Conditions:
Inborn genetic diseases. Identifiers: MedGen C0950123, MeSH D030342.
Pitt-Hopkins-like syndrome 2 (PTHSL2). Identifiers: Orphanet 221150, Orphanet 600663, MedGen C3280479, MONDO:0013690, OMIM 614325.

Allele frequency attached by ClinVar (database versions not stated): gnomAD exomes below 0.00001; TOPMed below 0.00001.
gnomAD v4.1: 6 of 1,597,788 alleles (0.00038%); highest among the groups gnomAD compares: Non-Finnish European, 0.00051%; no homozygotes.

Submissions (2):

Labcorp Genetics (formerly Invitae), Labcorp
Classification: Uncertain significance for Pitt-Hopkins-like syndrome 2. Last evaluated: 2021-05-18. Review status: criteria provided, single submitter. Criteria: Invitae Variant Classification Sherloc (09022015). Collection method: clinical testing. Allele origin: germline.
Comment: In summary, the available evidence is currently insufficient to determine the role of this variant in disease. Therefore, it has been classified as a Variant of Uncertain Significance. Algorithms developed to predict the effect of missense changes on protein structure and function are either unavailable or do not agree on the potential impact of this missense change (SIFT: "Tolerated"; PolyPhen-2: "Probably Damaging"; Align-GVGD: "Class C0"). This variant has not been reported in the literature in individuals with NRXN1-related conditions. ClinVar contains an entry for this variant (Variation ID: 590059). This variant is not present in population databases (ExAC no frequency). This sequence change replaces histidine with arginine at codon 1003 of the NRXN1 protein (p.His1003Arg). The histidine residue is highly conserved and there is a small physicochemical difference between histidine and arginine.

Ambry Genetics
Classification: Uncertain significance for Inborn genetic diseases. Last evaluated: 2017-02-01. Review status: criteria provided, single submitter. Criteria: Ambry Variant Classification Scheme 2023. Collection method: clinical testing. Allele origin: germline.
Comment: The p.H1003R variant (also known as c.3008A>G), located in coding exon 15 of the NRXN1 gene, results from an A to G substitution at nucleotide position 3008. The histidine at codon 1003 is replaced by arginine, an amino acid with highly similar properties. This amino acid position is highly conserved in available vertebrate species. In addition, this alteration is predicted to be deleterious by in silico analysis. Since supporting evidence is limited at this time, the clinical significance of this variant remains unclear.